The following is an entry in ClinVar:

NM_002637.4(PHKA1):c.2780T>C (p.Met927Thr)

Gene: PHKA1 (phosphorylase kinase regulatory subunit alpha 1; minus strand). Cytogenetic location: Xq13.1.
Variant type: single nucleotide variant.
Coding change: c.2780T>C on transcript NM_002637.4 (MANE Select); coding-DNA position 2780, T replaced by C.
Protein change: p.Met927Thr; replaces methionine 927 with threonine.
Molecular consequence: missense variant.
Genome position (GRCh38, 1-based): chrX:72,605,306, A>G on the plus strand (T>C on the coding strand, the complement: PHKA1 is on the minus strand). VCF-style: chrX-72605306-A-G. GRCh37 (hg19) VCF-style: chrX-71825156-A-G.
Other names: c.2780T>C, p.Met927Thr (NM_001122670.2); c.2603T>C, p.Met868Thr (NM_001172436.2); short protein forms M868T, M927T.
Identifiers: ClinVar variation 2182369 (VCV002182369.5), dbSNP rs201526819, ClinGen allele CA331072379.

ClinVar aggregate classification (germline): Uncertain significance. Review status: criteria provided, multiple submitters, no conflicts (2 of 4 stars). 2 submissions from 2 submitters: Uncertain significance (2). Last evaluated 2026-03-25.

Conditions:
Glycogen storage disease IXd (GSD9D). Also called: GSD IXd; Muscle Phosphorylase Kinase Deficiency. Identifiers: Orphanet 715, MedGen C1845151, MONDO:0010362, OMIM 300559.

Allele frequency attached by ClinVar (database versions not stated): TOPMed 0.00010; 1000 Genomes Project 0.00026; 1000 Genomes Project 30x 0.00042; gnomAD exomes below 0.00001; gnomAD 0.00005.
gnomAD v4.1: 14 of 1,204,882 alleles (0.0012%); highest among the groups gnomAD compares: African/African-American, 0.0087%; no homozygotes.

Submissions (2):

Women's Health and Genetics/Laboratory Corporation of America, LabCorp
Classification: Uncertain significance. Last evaluated: 2026-03-25. Review status: criteria provided, single submitter. Criteria: LabCorp Variant Classification Summary - May 2015. Collection method: clinical testing. Allele origin: germline.
Comment: Variant summary: PHKA1 c.2780T>C (p.Met927Thr) results in a non-conservative amino acid change in the encoded protein sequence. Algorithms developed to predict the effect of missense changes on protein structure and function all suggest that this variant is likely to be disruptive. The variant allele was found at a frequency of 1.6e-05 in 183010 control chromosomes. The available data on variant occurrences in the general population are insufficient to allow any conclusion about variant significance. To our knowledge, no occurrence of c.2780T>C in individuals affected with PHKA1-related conditions and no experimental evidence demonstrating its impact on protein function have been reported. ClinVar contains an entry for this variant (Variation ID: 2182369). Based on the evidence outlined above, the variant was classified as uncertain significance.

Labcorp Genetics (formerly Invitae), Labcorp
Classification: Uncertain significance for Glycogen storage disease IXd. Last evaluated: 2025-09-22. Review status: criteria provided, single submitter. Criteria: Invitae Variant Classification Sherloc (09022015). Collection method: clinical testing. Allele origin: germline.
Comment: This sequence change replaces methionine, which is neutral and non-polar, with threonine, which is neutral and polar, at codon 927 of the PHKA1 protein (p.Met927Thr). This variant is present in population databases (rs201526819, gnomAD 0.02%). This variant has not been reported in the literature in individuals affected with PHKA1-related conditions. ClinVar contains an entry for this variant (Variation ID: 2182369). Invitae Evidence Modeling of protein sequence and biophysical properties (such as structural, functional, and spatial information, amino acid conservation, physicochemical variation, residue mobility, and thermodynamic stability) indicates that this missense variant is expected to disrupt PHKA1 protein function with a positive predictive value of 80%. In summary, the available evidence is currently insufficient to determine the role of this variant in disease. Therefore, it has been classified as a Variant of Uncertain Significance.